The following is an entry in ClinVar:

ClinVar aggregate classification (germline): Benign/Likely benign. Review status: criteria provided, multiple submitters, no conflicts (2 of 4 stars). 7 submissions from 7 submitters: Benign (4); Likely benign (2). 1 of the submissions does not count toward it. Last evaluated 2026-09-01.

Conditions:
SYNE2-related disorder. Also called: SYNE2-related condition.
Emery-Dreifuss muscular dystrophy 5, autosomal dominant (EDMD5). Also called: EMERY-DREIFUSS MUSCULAR DYSTROPHY 5. Identifiers: Orphanet 261, MedGen C2751805, MONDO:0013072, OMIM 612999.

Allele frequency attached by ClinVar (database versions not stated): 1000 Genomes Project 30x 0.00219; 1000 Genomes Project 0.00240; TOPMed 0.00469; gnomAD 0.00513 and 0.00524; gnomAD exomes 0.00546; ExAC 0.00562; ESP Exome Variant Server 0.00584.
gnomAD v4.1: 10,922 of 1,613,616 alleles (0.68%); highest among the groups gnomAD compares: Middle Eastern, 1.3%; 52 homozygotes.

Submissions (7):

CeGaT Center for Human Genetics Tuebingen
Classification: Likely benign. Last evaluated: 2026-09-01. Review status: criteria provided, single submitter. Criteria: CeGaT Center For Human Genetics Tuebingen Variant Classification Criteria Version 2. Collection method: clinical testing. Allele origin: germline. Affected: yes. Observed: 20 variant alleles.
Comment: SYNE2: BP4, BP7, BS2

Labcorp Genetics (formerly Invitae), Labcorp
Classification: Benign for Emery-Dreifuss muscular dystrophy 5, autosomal dominant. Last evaluated: 2026-02-01. Review status: criteria provided, single submitter. Criteria: Invitae Variant Classification Sherloc (09022015). Collection method: clinical testing. Allele origin: germline.

Athena Diagnostics
Classification: Benign. Last evaluated: 2025-10-10. Review status: criteria provided, single submitter. Criteria: Athena Diagnostics Criteria. Collection method: clinical testing. Allele origin: unknown.
Comment: The frequency of this variant in the general population is higher than would generally be expected for pathogenic variants in this gene. Computational tools yielded predictions that this variant is unlikely to have an effect on normal RNA splicing. This nucleotide position exhibits low evolutionary conservation.

Illumina Laboratory Services, Illumina
Classification: Benign for Emery-Dreifuss muscular dystrophy 5, autosomal dominant. Last evaluated: 2018-01-13. Review status: criteria provided, single submitter. Criteria: ICSL Variant Classification Criteria 13 December 2019. Collection method: clinical testing. Allele origin: germline.
Comment: This variant was observed in the ICSL laboratory as part of a predisposition screen in an ostensibly healthy population. It had not been previously curated by ICSL or reported in the Human Gene Mutation Database (HGMD: prior to June 1st, 2018), and was therefore a candidate for classification through an automated scoring system. Utilizing variant allele frequency, disease prevalence and penetrance estimates, and inheritance mode, an automated score was calculated to assess if this variant is too frequent to cause the disease. Based on the score and internal cut-off values, a variant classified as benign is not then subjected to further curation. The score for this variant resulted in a classification of benign for this disease.

Eurofins Ntd Llc (ga)
Classification: Benign. Last evaluated: 2014-11-21. Review status: criteria provided, single submitter. Criteria: EGL Classification Definitions 2015. Collection method: clinical testing. Allele origin: germline. Observed: 1 variant allele, 1 heterozygote.

Breakthrough Genomics
Classification: Likely benign. Review status: criteria provided, single submitter. Criteria: ACMG Guidelines, 2015. Collection method: not provided. Allele origin: germline. Inheritance: Autosomal dominant inheritance. Affected: yes.

PreventionGenetics, part of Exact Sciences
Classification: Benign for SYNE2-related condition. Last evaluated: 2019-06-03. Review status: no assertion criteria provided. Collection method: clinical testing. Allele origin: germline. Not counted in ClinVar's aggregate classification.
Comment: This variant is classified as benign based on ACMG/AMP sequence variant interpretation guidelines (Richards et al. 2015 PMID: 25741868, with internal and published modifications).

NM_182914.3(SYNE2):c.12378C>T (p.Ser4126=)

Gene: SYNE2 (spectrin repeat containing nuclear envelope protein 2; plus strand). Cytogenetic location: 14q23.2.
Variant type: single nucleotide variant.
Coding change: c.12378C>T on transcript NM_182914.3 (MANE Select); coding-DNA position 12378, C replaced by T.
Protein change: p.Ser4126=; no amino-acid change (serine 4126 retained).
Molecular consequence: synonymous variant.
Genome position (GRCh38, 1-based): chr14:64,098,818, C>T. VCF-style: chr14-64098818-C-T. GRCh37 (hg19) VCF-style: chr14-64565536-C-T.
Other names: c.12378C>T, p.Ser4126= (NM_015180.6).
Identifiers: ClinVar variation 198339 (VCV000198339.57), dbSNP rs36007735, ClinGen allele CA203375.